The following is an entry in ClinVar:

ClinVar aggregate classification (germline): Benign. Review status: criteria provided, multiple submitters, no conflicts (2 of 4 stars). 2 submissions from 2 submitters: Benign (2). Last evaluated 2018-06-19.

Allele frequency attached by ClinVar (database versions not stated): 1000 Genomes Project 30x 0.00453; 1000 Genomes Project 0.00499; TOPMed 0.00854; gnomAD 0.01358 and 0.01421.
gnomAD v4.1: 10,886 of 717,630 alleles (1.5%); highest among the groups gnomAD compares: Non-Finnish European, 1.9%; 153 homozygotes.

Submissions (2):

GeneDx
Classification: Benign. Last evaluated: 2018-06-19. Review status: criteria provided, single submitter. Criteria: GeneDx Variant Classification (06012015). Collection method: clinical testing. Allele origin: germline. Affected: yes.
Comment: This variant is considered likely benign or benign based on one or more of the following criteria: it is a conservative change, it occurs at a poorly conserved position in the protein, it is predicted to be benign by multiple in silico algorithms, and/or has population frequency not consistent with disease.

Breakthrough Genomics
Classification: Benign. Review status: criteria provided, single submitter. Criteria: ACMG Guidelines, 2015. Collection method: not provided. Allele origin: germline. Inheritance: Autosomal recessive inheritance. Affected: yes.

NM_001854.4(COL11A1):c.106+138T>C

Gene: COL11A1 (collagen type XI alpha 1 chain; minus strand). Cytogenetic location: 1p21.1.
Variant type: single nucleotide variant.
Coding change: c.106+138T>C on transcript NM_001854.4 (MANE Select); 138 bases into the intron after coding-DNA position 106, T replaced by C.
Molecular consequence: intron variant.
Genome position (GRCh38, 1-based): chr1:103,107,935, A>G on the plus strand (T>C on the coding strand, the complement: COL11A1 is on the minus strand). VCF-style: chr1-103107935-A-G. GRCh37 (hg19) VCF-style: chr1-103573491-A-G.
Other names: c.106+138T>C (NM_001190709.2, NM_080629.3, NM_080630.4).
Identifiers: ClinVar variation 679550 (VCV000679550.2), dbSNP rs115558182, ClinGen allele CA15068331.